The following is an entry in ClinVar:

NM_015450.3(POT1):c.1506-191C>T

Gene: POT1 (protection of telomeres 1; minus strand). Cytogenetic location: 7q31.33.
Variant type: single nucleotide variant.
Coding change: c.1506-191C>T on transcript NM_015450.3 (MANE Select); 191 bases into the intron before coding-DNA position 1506, C replaced by T.
Molecular consequence: intron variant.
Genome position (GRCh38, 1-based): chr7:124,829,533, G>A on the plus strand (C>T on the coding strand, the complement: POT1 is on the minus strand). VCF-style: chr7-124829533-G-A. GRCh37 (hg19) VCF-style: chr7-124469587-G-A.
Other names: c.1113-191C>T (NM_001042594.2).
Identifiers: ClinVar variation 677016 (VCV000677016.1), dbSNP rs35184624, ClinGen allele CA12703929.
Genomic context (GRCh38, chr7:124,829,533, plus strand): 5'-TATTGTAATGTGCTTGTTTGTTTCACAAGAGAATTATGAAAGAGTAAGCTTATTACATAA[G>A]GGCAATAAAAAAGACAGTATAAGATTCAGAATAAACAACTCTAAATTGAGAACAGGGTGC-3'

ClinVar aggregate classification (germline): Benign (1 of 4 stars; one submission).

Allele frequency attached by ClinVar (database versions not stated): TOPMed 0.39522; gnomAD 0.39803 and 0.39809; 1000 Genomes Project 30x 0.41833; 1000 Genomes Project 0.41853.
gnomAD v4.1: 60,585 of 151,684 alleles (40%); highest among the groups gnomAD compares: East Asian, 50%; 12,227 homozygotes.

Submission:

GeneDx
Classification: Benign. Last evaluated: 2018-06-12. Review status: criteria provided, single submitter. Criteria: GeneDx Variant Classification (06012015). Collection method: clinical testing. Allele origin: germline. Affected: yes.
Comment: This variant is considered likely benign or benign based on one or more of the following criteria: it is a conservative change, it occurs at a poorly conserved position in the protein, it is predicted to be benign by multiple in silico algorithms, and/or has population frequency not consistent with disease.